The following is an entry in ClinVar:

NM_002282.3(KRT83):c.846G>C (p.Glu282Asp)

Gene: KRT83 (keratin 83; minus strand). Cytogenetic location: 12q13.13.
Variant type: single nucleotide variant.
Coding change: c.846G>C on transcript NM_002282.3 (MANE Select); coding-DNA position 846, G replaced by C.
Protein change: p.Glu282Asp; replaces glutamic acid 282 with aspartic acid.
Molecular consequence: missense variant.
Genome position (GRCh38, 1-based): chr12:52,316,928, C>G on the plus strand (G>C on the coding strand, the complement: KRT83 is on the minus strand). VCF-style: chr12-52316928-C-G. GRCh37 (hg19) VCF-style: chr12-52710712-C-G.
Other names: short protein forms E282D.
Identifiers: ClinVar variation 3609313 (VCV003609313.2).

ClinVar aggregate classification (germline): Uncertain significance (1 of 4 stars; one submission).

gnomAD v4.1: 7 of 1,614,240 alleles (0.00043%); highest among the groups gnomAD compares: Admixed American, 0.012%; no homozygotes.

Submission:

Labcorp Genetics (formerly Invitae), Labcorp
Classification: Uncertain significance. Last evaluated: 2024-06-05. Review status: criteria provided, single submitter. Criteria: Invitae Variant Classification Sherloc (09022015). Collection method: clinical testing. Allele origin: germline.
Comment: This sequence change replaces glutamic acid, which is acidic and polar, with aspartic acid, which is acidic and polar, at codon 282 of the KRT83 protein (p.Glu282Asp). This variant is present in population databases (rs780972860, gnomAD 0.02%). This variant has not been reported in the literature in individuals affected with KRT83-related conditions. Advanced modeling of protein sequence and biophysical properties (such as structural, functional, and spatial information, amino acid conservation, physicochemical variation, residue mobility, and thermodynamic stability) performed at Invitae indicates that this missense variant is not expected to disrupt KRT83 protein function with a negative predictive value of 80%. In summary, the available evidence is currently insufficient to determine the role of this variant in disease. Therefore, it has been classified as a Variant of Uncertain Significance.